The following is an entry in ClinVar:

NM_153266.4(TMEM151A):c.391G>T (p.Asp131Tyr)

Gene: TMEM151A (transmembrane protein 151A; plus strand). Cytogenetic location: 11q13.2.
Variant type: single nucleotide variant.
Coding change: c.391G>T on transcript NM_153266.4 (MANE Select); coding-DNA position 391, G replaced by T.
Protein change: p.Asp131Tyr; replaces aspartic acid 131 with tyrosine.
Molecular consequence: missense variant.
Genome position (GRCh38, 1-based): chr11:66,294,637, G>T. VCF-style: chr11-66294637-G-T. GRCh37 (hg19) VCF-style: chr11-66062108-G-T.
Other names: short protein forms D131Y.
Identifiers: ClinVar variation 4072780 (VCV004072780.1).

ClinVar aggregate classification (germline): Uncertain significance (1 of 4 stars; one submission).

Submission:

GeneDx
Classification: Uncertain significance. Last evaluated: 2025-01-31. Review status: criteria provided, single submitter. Criteria: GeneDx Variant Classification Process June 2021. Collection method: clinical testing. Allele origin: germline. Affected: yes.
Comment: Not observed at significant frequency in large population cohorts (gnomAD); In silico analysis supports that this missense variant has a deleterious effect on protein structure/function; Has not been previously published as pathogenic or benign to our knowledge